The following is an entry in ClinVar:

ClinVar aggregate classification (germline): Uncertain significance (1 of 4 stars; one submission).

Allele frequency attached by ClinVar (database versions not stated): TOPMed below 0.00001; gnomAD 0.00001; gnomAD exomes 0.00001; ExAC 0.00002.
gnomAD v4.1: 13 of 1,611,292 alleles (0.00081%); highest among the groups gnomAD compares: Admixed American, 0.0033%; no homozygotes.

Submission:

Labcorp Genetics (formerly Invitae), Labcorp
Classification: Uncertain significance. Last evaluated: 2024-02-23. Review status: criteria provided, single submitter. Criteria: Invitae Variant Classification Sherloc (09022015). Collection method: clinical testing. Allele origin: germline.
Comment: This sequence change replaces isoleucine, which is neutral and non-polar, with threonine, which is neutral and polar, at codon 699 of the HMCN1 protein (p.Ile699Thr). This variant is present in population databases (rs746494097, gnomAD 0.003%). This variant has not been reported in the literature in individuals affected with HMCN1-related conditions. ClinVar contains an entry for this variant (Variation ID: 1438845). Algorithms developed to predict the effect of missense changes on protein structure and function output the following: SIFT: "Not Available"; PolyPhen-2: "Benign"; Align-GVGD: "Not Available". The threonine amino acid residue is found in multiple mammalian species, which suggests that this missense change does not adversely affect protein function. In summary, the available evidence is currently insufficient to determine the role of this variant in disease. Therefore, it has been classified as a Variant of Uncertain Significance.

NM_031935.3(HMCN1):c.2096T>C (p.Ile699Thr)

Gene: HMCN1 (hemicentin 1; plus strand). Cytogenetic location: 1q31.1.
Variant type: single nucleotide variant.
Coding change: c.2096T>C on transcript NM_031935.3 (MANE Select); coding-DNA position 2096, T replaced by C.
Protein change: p.Ile699Thr; replaces isoleucine 699 with threonine.
Molecular consequence: missense variant.
Genome position (GRCh38, 1-based): chr1:185,963,893, T>C. VCF-style: chr1-185963893-T-C. GRCh37 (hg19) VCF-style: chr1-185933025-T-C.
Other names: short protein forms I699T.
Identifiers: ClinVar variation 1438845 (VCV001438845.7), dbSNP rs746494097, ClinGen allele CA1291277.